The following is an entry in ClinVar:

ClinVar aggregate classification (germline): Likely pathogenic. Review status: criteria provided, multiple submitters, no conflicts (2 of 4 stars). 2 submissions from 2 submitters: Likely pathogenic (2). Last evaluated 2026-09-08.

Conditions:
Fabry disease. Also called: ALPHA-GALACTOSIDASE A DEFICIENCY; ANDERSON-FABRY DISEASE; CERAMIDE TRIHEXOSIDASE DEFICIENCY; GLA DEFICIENCY; HEREDITARY DYSTOPIC LIPIDOSIS; Angiokeratoma corporis diffusum. Identifiers: Orphanet 324, MedGen C0002986, MONDO:0010526, OMIM 301500, HP:0001071. Disease mechanism: Fabry disease is due to inactivating mutations in the X-linked GLA gene resulting in deficiency of the enzyme Alpha Galactosidase-A., loss of function.

Submissions (2):

Genomenon, Inc
Classification: Likely pathogenic for Fabry disease. Last evaluated: 2026-09-08. Review status: criteria provided, single submitter. Criteria: Genomenon Sequence Variant Interpretation Standards - Updated. Collection method: curation. Allele origin: germline. Affected: yes.
Comment: GLA p.Pro409Thr (c.1225C>A) is a missense variant that changes the amino acid at codon 409 from Proline to Threonine. This variant has been observed in at least one proband with clinical features consistent with Fabry disease (PMID:27834756). At least one functional study has demonstrated a substantial alteration in protein function relative to the wild-type (PMID:27657681). It is absent or not present at a significant frequency in gnomAD. In silico models predict that this variant is possibly or probably damaging. In conclusion, we classify GLA p.Pro409Thr (c.1225C>A) as a likely pathogenic variant.

Genetics Laboratory, Great Ormond Street Hospital NHS Foundation Trust, North Thames Genomic Laboratory Hub
Classification: Likely pathogenic for Fabry disease. Last evaluated: 2026-02-20. Review status: criteria provided, single submitter. Criteria: ACGS Best Practice Guidelines for Variant Classification in Rare Disease 2024 v1.2. Collection method: clinical testing. Allele origin: germline. Affected: yes.
Comment: PM2_moderate, PP3_supporting, PM5_moderate, PP4_strong

Literature cited by the submitters: PubMed 27834756 (cited by Genomenon, Inc); PubMed 27657681 (cited by Genomenon, Inc).

NM_000169.3(GLA):c.1225C>A (p.Pro409Thr)

Genes: GLA (galactosidase alpha; minus strand), RPL36A-HNRNPH2 (RPL36A-HNRNPH2 readthrough; plus strand). Cytogenetic location: Xq22.1.
Variant type: single nucleotide variant.
Coding change: c.1225C>A on transcript NM_000169.3 (MANE Select); coding-DNA position 1225, C replaced by A.
Protein change: p.Pro409Thr; replaces proline 409 with threonine.
Molecular consequence: missense variant. On other transcripts: non-coding transcript variant (3), intron variant (2).
Genome position (GRCh38, 1-based): chrX:101,397,874, G>T on the plus strand (C>A on the coding strand, the complement: GLA is on the minus strand). VCF-style: chrX-101397874-G-T. GRCh37 (hg19) VCF-style: chrX-100652862-G-T.
Other names: c.1348C>A, p.Pro450Thr (NM_001406747.1); c.300+2417G>T (NM_001199973.2); c.177+6052G>T (NM_001199974.2); short protein forms P409T, P450T.
Identifiers: ClinVar variation 4087665 (VCV004087665.3).
Genomic context (GRCh38, chrX:101,397,874, plus strand): 5'-GTAAGTCTTTTAATGACATCTGCATTGTATTTTCTAGCTGAAGCAAAACAGTGCCTGTGG[G>T]ATTTATGTGACTTCTTAACCTTGAAGTCCATTCATAGAACCCTAGCTTCCTTTTCACAGG-3'
Protein context (NP_000160.1, residues 399-419): WTSRLRSHIN[Pro409Thr]TGTVLLQLEN